The following is an entry in ClinVar:

ClinVar aggregate classification (germline): Uncertain significance (1 of 4 stars; one submission).

gnomAD v4.1: 1 of 1,614,106 alleles (0.000062%); highest among the groups gnomAD compares: Non-Finnish European, 0.000085%; no homozygotes.

Submission:

Labcorp Genetics (formerly Invitae), Labcorp
Classification: Uncertain significance. Last evaluated: 2023-06-23. Review status: criteria provided, single submitter. Criteria: Invitae Variant Classification Sherloc (09022015). Collection method: clinical testing. Allele origin: germline.
Comment: In summary, the available evidence is currently insufficient to determine the role of this variant in disease. Therefore, it has been classified as a Variant of Uncertain Significance. This sequence change replaces valine, which is neutral and non-polar, with methionine, which is neutral and non-polar, at codon 3633 of the HMCN1 protein (p.Val3633Met). This variant is not present in population databases (gnomAD no frequency). This variant has not been reported in the literature in individuals affected with HMCN1-related conditions. An algorithm developed to predict the effect of missense changes on protein structure and function (PolyPhen-2) suggests that this variant is likely to be disruptive.

NM_031935.3(HMCN1):c.10897G>A (p.Val3633Met)

Gene: HMCN1 (hemicentin 1; plus strand). Cytogenetic location: 1q31.1.
Variant type: single nucleotide variant.
Coding change: c.10897G>A on transcript NM_031935.3 (MANE Select); coding-DNA position 10897, G replaced by A.
Protein change: p.Val3633Met; replaces valine 3633 with methionine.
Molecular consequence: missense variant.
Genome position (GRCh38, 1-based): chr1:186,108,505, G>A. VCF-style: chr1-186108505-G-A. GRCh37 (hg19) VCF-style: chr1-186077637-G-A.
Other names: short protein forms V3633M.
Identifiers: ClinVar variation 2725536 (VCV002725536.3), dbSNP rs2527980370, ClinGen allele CA343937127.